The following is an entry in ClinVar:

NM_174916.3(UBR1):c.26C>T (p.Thr9Ile)

Genes: UBR1 (ubiquitin protein ligase E3 component n-recognin 1; minus strand), LOC130056936 (ATAC-STARR-seq lymphoblastoid active region 9309; plus strand). Cytogenetic location: 15q15.2.
Variant type: single nucleotide variant.
Coding change: c.26C>T on transcript NM_174916.3 (MANE Select); coding-DNA position 26, C replaced by T.
Protein change: p.Thr9Ile; replaces threonine 9 with isoleucine.
Molecular consequence: missense variant.
Genome position (GRCh38, 1-based): chr15:43,105,997, G>A on the plus strand (C>T on the coding strand, the complement: UBR1 is on the minus strand). VCF-style: chr15-43105997-G-A. GRCh37 (hg19) VCF-style: chr15-43398195-G-A.
Other names: short protein forms T9I.
Identifiers: ClinVar variation 1462805 (VCV001462805.4), dbSNP rs764428187, ClinGen allele CA392066271.

ClinVar aggregate classification (germline): Uncertain significance (1 of 4 stars; one submission).

Submission:

Labcorp Genetics (formerly Invitae), Labcorp
Classification: Uncertain significance. Last evaluated: 2022-12-06. Review status: criteria provided, single submitter. Criteria: Invitae Variant Classification Sherloc (09022015). Collection method: clinical testing. Allele origin: germline.
Comment: In summary, the available evidence is currently insufficient to determine the role of this variant in disease. Therefore, it has been classified as a Variant of Uncertain Significance. Algorithms developed to predict the effect of missense changes on protein structure and function (SIFT, PolyPhen-2, Align-GVGD) all suggest that this variant is likely to be tolerated. ClinVar contains an entry for this variant (Variation ID: 1462805). This variant has not been reported in the literature in individuals affected with UBR1-related conditions. This variant is not present in population databases (gnomAD no frequency). This sequence change replaces threonine, which is neutral and polar, with isoleucine, which is neutral and non-polar, at codon 9 of the UBR1 protein (p.Thr9Ile).